The following is an entry in ClinVar:

NM_018161.5(NADSYN1):c.271del (p.Met91fs)

Gene: NADSYN1 (NAD synthetase 1; plus strand). Cytogenetic location: 11q13.4.
Variant type: Deletion.
Coding change: c.271del on transcript NM_018161.5 (MANE Select); coding-DNA position 271, one base deleted (A; older notation c.271delA).
Protein change: p.Met91fs; shifts the reading frame from methionine 91.
Molecular consequence: frameshift variant.
Genome position (GRCh38, 1-based): chr11:71,463,439, A deleted; the last of 2 consecutive A bases (chr11:71,463,438-71,463,439); deleting either gives the same sequence. VCF-style (leftmost placement, unchanged base first): chr11-71463437-TA-T. GRCh37 (hg19) VCF-style: chr11-71174483-TA-T.
Other names: short protein forms M91fs.
Identifiers: ClinVar variation 1309754 (VCV001309754.15), dbSNP rs1376159616, ClinGen allele CA600045101.

ClinVar aggregate classification (germline): Conflicting classifications of pathogenicity. Review status: criteria provided, conflicting classifications (1 of 4 stars). 2 submissions from 2 submitters: Likely pathogenic (1); Uncertain significance (1). Last evaluated 2023-05-10.

Conditions:
Vertebral, cardiac, renal, and limb defects syndrome 3. Also called: CONGENITAL NAD DEFICIENCY DISORDER 3. Identifiers: MedGen C5394250, MONDO:0030077, OMIM 618845.

Submissions (2):

Embryology Laboratory, Victor Chang Cardiac Research Institute
Classification: Likely pathogenic for Vertebral, cardiac, renal, and limb defects syndrome 3. Last evaluated: 2023-05-10. Review status: criteria provided, single submitter. Criteria: ACMG Guidelines, 2015. Collection method: research. Allele origin: biparental. Inheritance: Autosomal recessive inheritance. Affected: yes. Observed: 1 homozygote.

GeneDx
Classification: Uncertain significance. Last evaluated: 2019-11-06. Review status: criteria provided, single submitter. Criteria: GeneDx Variant Classification Process June 2021. Collection method: clinical testing. Allele origin: germline. Affected: yes.
Comment: Frameshift variant predicted to result in protein truncation or nonsense mediated decay in a gene for which loss-of-function is not a known mechanism of disease; Has not been previously published as pathogenic or benign to our knowledge; Variants in candidate genes are classified as variants of uncertain significance in accordance with ACMG guidelines (Richards et al., 2015)